The following is an entry in ClinVar:

ClinVar aggregate classification (germline): Uncertain significance (1 of 4 stars; one submission).

Conditions:
Cohen syndrome (COH1). Also called: PEPPER SYNDROME; Cutis verticis gyrata, retinitis pigmentosa, and sensorineural deafness. Identifiers: Orphanet 193, MedGen C0265223, MONDO:0008999, OMIM 216550.

gnomAD v4.1: 12 of 1,614,106 alleles (0.00074%); highest among the groups gnomAD compares: Non-Finnish European, 0.001%; no homozygotes.

Submission:

Labcorp Genetics (formerly Invitae), Labcorp
Classification: Uncertain significance for Cohen syndrome. Last evaluated: 2024-11-27. Review status: criteria provided, single submitter. Criteria: Invitae Variant Classification Sherloc (09022015). Collection method: clinical testing. Allele origin: germline.
Comment: This sequence change replaces isoleucine, which is neutral and non-polar, with valine, which is neutral and non-polar, at codon 2231 of the VPS13B protein (p.Ile2231Val). This variant is present in population databases (no rsID available, gnomAD 0.0009%). This variant has not been reported in the literature in individuals affected with VPS13B-related conditions. Invitae Evidence Modeling of protein sequence and biophysical properties (such as structural, functional, and spatial information, amino acid conservation, physicochemical variation, residue mobility, and thermodynamic stability) indicates that this missense variant is not expected to disrupt VPS13B protein function with a negative predictive value of 80%. In summary, the available evidence is currently insufficient to determine the role of this variant in disease. Therefore, it has been classified as a Variant of Uncertain Significance.

NM_152564.5(VPS13B):c.6616A>G (p.Ile2206Val)

Gene: VPS13B (vacuolar protein sorting 13 homolog B; plus strand). Cytogenetic location: 8q22.2.
Variant type: single nucleotide variant.
Coding change: c.6616A>G on transcript NM_152564.5 (MANE Select); coding-DNA position 6616, A replaced by G.
Protein change: p.Ile2206Val; replaces isoleucine 2206 with valine.
Molecular consequence: missense variant.
Genome position (GRCh38, 1-based): chr8:99,717,332, A>G. VCF-style: chr8-99717332-A-G. GRCh37 (hg19) VCF-style: chr8-100729560-A-G.
Other names: c.6691A>G, p.Ile2231Val (NM_017890.5); short protein forms I2231V, I2206V.
Identifiers: ClinVar variation 3671382 (VCV003671382.2).